The following is an entry in ClinVar:

ClinVar aggregate classification (germline): Conflicting classifications of pathogenicity. Review status: criteria provided, conflicting classifications (1 of 4 stars). 5 submissions from 5 submitters: Uncertain significance (1); Likely benign (3). 1 of the submissions does not count toward it. Last evaluated 2026-01-12.

Conditions:
DIAPH1-related disorder. Also called: DIAPH1-related condition.
Progressive microcephaly-seizures-cortical blindness-developmental delay syndrome. Also called: Seizures, cortical blindness, and microcephaly syndrome. Identifiers: Orphanet 477814, MedGen C5567650, MONDO:0014714, OMIM 616632.
Autosomal dominant nonsyndromic hearing loss 1. Also called: KONIGSMARK SYNDROME; DEAFNESS, AUTOSOMAL DOMINANT 1, WITH OR WITHOUT THROMBOCYTOPENIA. Identifiers: Orphanet 90635, MedGen C1852282, MONDO:0007424, OMIM 124900.

Allele frequency attached by ClinVar (database versions not stated): gnomAD exomes 0.00005 and 0.00009; ExAC 0.00012; gnomAD 0.00037 and 0.00038; ESP Exome Variant Server 0.00040; TOPMed 0.00045; 1000 Genomes Project 0.00060; 1000 Genomes Project 30x 0.00062.
gnomAD v4.1: 132 of 1,613,876 alleles (0.0082%); highest among the groups gnomAD compares: African/African-American, 0.14%; 1 homozygote.

Submissions (5):

Labcorp Genetics (formerly Invitae), Labcorp
Classification: Likely benign for Progressive microcephaly-seizures-cortical blindness-developmental delay syndrome; Autosomal dominant nonsyndromic hearing loss 1. Last evaluated: 2026-01-12. Review status: criteria provided, single submitter. Criteria: Invitae Variant Classification Sherloc (09022015). Collection method: clinical testing. Allele origin: germline.

Blueprint Genetics
Classification: Likely benign. Last evaluated: 2024-02-16. Review status: criteria provided, single submitter. Criteria: ACMG Guidelines, 2015. Collection method: clinical testing. Allele origin: germline.

GeneDx
Classification: Likely benign. Last evaluated: 2021-06-17. Review status: criteria provided, single submitter. Criteria: GeneDx Variant Classification Process June 2021. Collection method: clinical testing. Allele origin: germline. Affected: yes.

Genetic Services Laboratory, University of Chicago
Classification: Uncertain significance. Last evaluated: 2018-08-31. Review status: criteria provided, single submitter. Criteria: ACMG Guidelines, 2015. Collection method: clinical testing. Allele origin: germline. Affected: no.

PreventionGenetics, part of Exact Sciences
Classification: Likely benign for DIAPH1-related condition. Last evaluated: 2019-09-23. Review status: no assertion criteria provided. Collection method: clinical testing. Allele origin: germline. Not counted in ClinVar's aggregate classification.
Comment: This variant is classified as likely benign based on ACMG/AMP sequence variant interpretation guidelines (Richards et al. 2015 PMID: 25741868, with internal and published modifications).

NM_005219.5(DIAPH1):c.3574+10G>A

Gene: DIAPH1 (diaphanous related formin 1; minus strand). Cytogenetic location: 5q31.3.
Variant type: single nucleotide variant.
Coding change: c.3574+10G>A on transcript NM_005219.5 (MANE Select); 10 bases into the intron after coding-DNA position 3574, G replaced by A.
Molecular consequence: intron variant.
Genome position (GRCh38, 1-based): chr5:141,526,028, C>T on the plus strand (G>A on the coding strand, the complement: DIAPH1 is on the minus strand). VCF-style: chr5-141526028-C-T. GRCh37 (hg19) VCF-style: chr5-140905595-C-T.
Other names: c.3547+10G>A (NM_001079812.3); c.3574+10G>A (NM_001314007.2).
Identifiers: ClinVar variation 1129130 (VCV001129130.17), dbSNP rs200327015, ClinGen allele CA3478753.